The following is an entry in ClinVar:

ClinVar aggregate classification (germline): Likely benign. Review status: criteria provided, multiple submitters, no conflicts (2 of 4 stars). 2 submissions from 2 submitters: Likely benign (2). Last evaluated 2023-09-14.

Allele frequency attached by ClinVar (database versions not stated): ExAC 0.00002; ESP Exome Variant Server 0.00019.
gnomAD v4.1: 167 of 1,196,842 alleles (0.014%); highest among the groups gnomAD compares: Non-Finnish European, 0.017%; 1 homozygote.

Submissions (2):

Ambry Genetics
Classification: Likely benign. Last evaluated: 2023-09-14. Review status: criteria provided, single submitter. Criteria: Ambry Variant Classification Scheme 2023. Collection method: clinical testing. Allele origin: germline.

CeGaT Center for Human Genetics Tuebingen
Classification: Likely benign. Last evaluated: 2023-01-01. Review status: criteria provided, single submitter. Criteria: CeGaT Center For Human Genetics Tuebingen Variant Classification Criteria Version 2. Collection method: clinical testing. Allele origin: germline. Affected: yes. Observed: 1 variant allele.
Comment: GCNA: BP4, BS2

NM_052957.5(GCNA):c.654G>C (p.Lys218Asn)

Gene: GCNA (germ cell nuclear acidic peptidase; plus strand). Cytogenetic location: Xq13.1.
Variant type: single nucleotide variant.
Coding change: c.654G>C on transcript NM_052957.5 (MANE Select); coding-DNA position 654, G replaced by C.
Protein change: p.Lys218Asn; replaces lysine 218 with asparagine.
Molecular consequence: missense variant.
Genome position (GRCh38, 1-based): chrX:71,603,931, G>C. VCF-style: chrX-71603931-G-C. GRCh37 (hg19) VCF-style: chrX-70823781-G-C.
Other names: short protein forms K218N.
Identifiers: ClinVar variation 2601641 (VCV002601641.26), dbSNP rs141229655, ClinGen allele CA10448105.